The following is an entry in ClinVar:

NM_024675.4(PALB2):c.2995G>T (p.Gly999Ter)

Gene: PALB2 (partner and localizer of BRCA2; minus strand). Cytogenetic location: 16p12.2.
Variant type: single nucleotide variant.
Coding change: c.2995G>T on transcript NM_024675.4 (MANE Select); coding-DNA position 2995, G replaced by T.
Protein change: p.Gly999Ter; replaces glycine 999 with a stop codon.
Molecular consequence: nonsense. On other transcripts: intron variant (1).
Genome position (GRCh38, 1-based): chr16:23,622,970, C>A on the plus strand (G>T on the coding strand, the complement: PALB2 is on the minus strand). VCF-style: chr16-23622970-C-A. GRCh37 (hg19) VCF-style: chr16-23634291-C-A.
Other names: c.2935G>T, p.Gly979Ter (NM_001407296.1); c.2923G>T, p.Gly975Ter (NM_001407297.1); c.2833G>T, p.Gly945Ter (NM_001407298.1, NM_001407302.1); c.2995G>T, p.Gly999Ter (NM_001407299.1, NM_001407301.1); c.2110G>T, p.Gly704Ter (NM_001407304.1, NM_001407305.1, NM_001407306.1 and 4 more transcripts); c.1948G>T, p.Gly650Ter (NM_001407307.1); c.1207G>T, p.Gly403Ter (NM_001407312.1, NM_001407313.1); c.529G>T, p.Gly177Ter (NM_001407314.1); and 1 more; short protein forms G650*, G704*, G945*, G999*, G177*, G403*, G975*, G979*.
Identifiers: ClinVar variation 2567579 (VCV002567579.7), dbSNP rs1269970394, ClinGen allele CA395143834.

ClinVar aggregate classification (germline): Pathogenic. Review status: criteria provided, multiple submitters, no conflicts (2 of 4 stars). 4 submissions from 4 submitters: Pathogenic (4). Last evaluated 2025-04-20.

Conditions:
Hereditary cancer-predisposing syndrome. Also called: Hereditary neoplastic syndrome; Hereditary Cancer Syndrome; Neoplastic Syndromes, Hereditary; Tumor predisposition. Identifiers: Orphanet 140162, MedGen C0027672, MeSH D009386, MONDO:0015356.
Breast-ovarian cancer, familial, susceptibility to, 5 (BROVCA5). Identifiers: MedGen C5830615, MONDO:0957530, OMIM 620442.
Familial cancer of breast. Also called: hereditary breast carcinoma; Hereditary breast cancer; BREAST CANCER, FAMILIAL. Identifiers: Orphanet 227535, MedGen C0346153, MONDO:0016419, OMIM 114480. Disease mechanism: loss of function.

Submissions (4):

3billion
Classification: Pathogenic for Breast-ovarian cancer, familial, susceptibility to, 5. Last evaluated: 2025-04-20. Review status: criteria provided, single submitter. Criteria: ACMG Guidelines, 2015. Collection method: clinical testing. Allele origin: germline. Affected: yes.
Comment: The variant is not observed in the gnomAD v4.1.0 dataset. Predicted Consequence/Location:Stop-gained (nonsense): predicted to result in a loss or disruption of normal protein function through nonsense-mediated decay (NMD) or protein truncation. Multiple pathogenic variants are reported downstream of the variant. The variant has been reported at least twice as pathogenic with clinical assertions and evidence for the classification (ClinVar ID: VCV002567579). Therefore, this variant is classified as Pathogenic according to the recommendation of ACMG/AMP guideline.

Myriad Genetics, Inc.
Classification: Pathogenic for Familial cancer of breast. Last evaluated: 2023-10-09. Review status: criteria provided, single submitter. Criteria: Myriad Autosomal Dominant, Autosomal Recessive and X-Linked Classification Criteria (2023). Collection method: clinical testing. Allele origin: unknown.
Comment: This variant is considered pathogenic. This variant creates a termination codon and is predicted to result in premature protein truncation.

Labcorp Genetics (formerly Invitae), Labcorp
Classification: Pathogenic for Familial cancer of breast. Last evaluated: 2023-07-25. Review status: criteria provided, single submitter. Criteria: Invitae Variant Classification Sherloc (09022015). Collection method: clinical testing. Allele origin: germline.
Comment: For these reasons, this variant has been classified as Pathogenic. ClinVar contains an entry for this variant (Variation ID: 2567579). This variant has not been reported in the literature in individuals affected with PALB2-related conditions. This variant is not present in population databases (gnomAD no frequency). This sequence change creates a premature translational stop signal (p.Gly999*) in the PALB2 gene. It is expected to result in an absent or disrupted protein product. Loss-of-function variants in PALB2 are known to be pathogenic (PMID: 17200668, 17200671, 17200672, 24136930, 25099575).

Ambry Genetics
Classification: Pathogenic for Hereditary cancer-predisposing syndrome. Last evaluated: 2023-04-26. Review status: criteria provided, single submitter. Criteria: Ambry Variant Classification Scheme 2023. Collection method: clinical testing. Allele origin: germline.
Comment: The p.G999* pathogenic mutation (also known as c.2995G>T), located in coding exon 9 of the PALB2 gene, results from a G to T substitution at nucleotide position 2995. This changes the amino acid from a glycine to a stop codon within coding exon 9. This alteration is expected to result in loss of function by premature protein truncation or nonsense-mediated mRNA decay. As such, this alteration is interpreted as a disease-causing mutation.

Literature cited by the submitters: PubMed 17200668 (cited by Labcorp Genetics (formerly Invitae), Labcorp); PubMed 17200671 (cited by Labcorp Genetics (formerly Invitae), Labcorp); PubMed 17200672 (cited by Labcorp Genetics (formerly Invitae), Labcorp); PubMed 24136930 (cited by Labcorp Genetics (formerly Invitae), Labcorp); PubMed 25099575 (cited by Labcorp Genetics (formerly Invitae), Labcorp).